The following is an entry in ClinVar:

NM_001378452.1(ITPR1):c.7301C>T (p.Thr2434Ile)

Gene: ITPR1 (inositol 1,4,5-trisphosphate receptor type 1; plus strand). Cytogenetic location: 3p26.1.
Variant type: single nucleotide variant.
Coding change: c.7301C>T on transcript NM_001378452.1 (MANE Select); coding-DNA position 7301, C replaced by T.
Protein change: p.Thr2434Ile; replaces threonine 2434 with isoleucine.
Molecular consequence: missense variant.
Genome position (GRCh38, 1-based): chr3:4,811,293, C>T. VCF-style: chr3-4811293-C-T. GRCh37 (hg19) VCF-style: chr3-4852977-C-T.
Other names: c.7157C>T, p.Thr2386Ile (NM_001099952.4); c.7256C>T, p.Thr2419Ile (NM_001168272.2); c.7112C>T, p.Thr2371Ile (NM_002222.7); c.7112C>T (NM_002222.5); short protein forms T2371I, T2386I, T2419I, T2434I.
Identifiers: ClinVar variation 3377491 (VCV003377491.2).

ClinVar aggregate classification (germline): Likely pathogenic. Review status: criteria provided, multiple submitters, no conflicts (2 of 4 stars). 2 submissions from 2 submitters: Likely pathogenic (2). Last evaluated 2024-08-13.

Conditions:
Inborn genetic diseases. Identifiers: MedGen C0950123, MeSH D030342.
Spinocerebellar ataxia type 29 (SCA29). Also called: CEREBELLAR ATAXIA, CONGENITAL NONPROGRESSIVE, AUTOSOMAL DOMINANT; Spinocerebellar ataxia 29, congenital nonprogressive. Identifiers: Orphanet 208513, MedGen C1861732, MONDO:0007298, OMIM 117360.

Submissions (2):

Ambry Genetics
Classification: Likely pathogenic for Inborn genetic diseases. Last evaluated: 2024-08-13. Review status: criteria provided, single submitter. Criteria: Ambry Variant Classification Scheme 2023. Collection method: clinical testing. Allele origin: germline.
Comment: The c.7112C>T (p.T2371I) alteration is located in exon 52 (coding exon 50) of the ITPR1 gene. This alteration results from a C to T substitution at nucleotide position 7112, causing the threonine (T) at amino acid position 2371 to be replaced by an isoleucine (I). for autosomal dominant ITPR1-related congenital non-progressive spinocerebellar ataxia (SCA29); however, its clinical significance for autosomal dominant ITPR1-related spinocerebellar ataxia (SCA15), autosomal dominant Gillespie syndrome, and autosomal recessive Gillespie syndrome is uncertain. This variant was not reported in population-based cohorts in the Genome Aggregation Database (gnomAD). This amino acid position is highly conserved in available vertebrate species. This alteration is predicted to be deleterious by in silico analysis. Based on the available evidence, this alteration is classified as likely pathogenic.

Victorian Clinical Genetics Services, Murdoch Childrens Research Institute
Classification: Likely pathogenic for Spinocerebellar ataxia type 29. Last evaluated: 2023-07-17. Review status: criteria provided, single submitter. Criteria: ACMG Guidelines, 2015. Collection method: clinical testing. Allele origin: germline. Inheritance: Autosomal dominant inheritance. Affected: yes.
Comment: Based on the classification scheme VCGS_Germline_v1.3.4, this variant is classified as Likely Pathogenic. Following criteria are met: 0103 - Loss of function and gain of function are known mechanisms of disease in this gene and are associated with Gillespie syndrome (MIM#206700), spinocerebellar ataxia 15 (MIM#606658), spinocerebellar ataxia 29, congenital nonprogressive (MIM#117360). Missense variants have been shown to result in both loss- and gain-of-function, where dominant negative is also a suggested mechanism (PMID: 29925855, 28620721). (I) 0108 - This gene is associated with both recessive and dominant disease. Missense variants have been reported for dominant disease, whereas protein truncating variants have been reported for recessive disease (OMIM). (I) 0200 - Variant is predicted to result in a missense amino acid change from threonine to isoleucine. (I) 0251 - This variant is heterozygous. (I) 0301 - Variant is absent from gnomAD (both v2 and v3). (SP) 0501 - Missense variant consistently predicted to be damaging by multiple in silico tools or highly conserved with a major amino acid change. (SP) 0603 - Missense variant in a region that is highly intolerant to missense variation (high constraint region in DECIPHER). (SP) 0705 - No comparable missense variants have previous evidence for pathogenicity. (I) 0807 - This variant has no previous evidence of pathogenicity. (I) 0905 - No published segregation evidence has been identified for this variant. (I) 1007 - No published functional evidence has been identified for this variant. (SP) Legend: (SP) - Supporting pathogenic, (I) - Information, (SB) - Supporting benign

Literature cited by the submitters: PubMed 28620721 (cited by Victorian Clinical Genetics Services, Murdoch Childrens Research Institute); PubMed 29925855 (cited by Victorian Clinical Genetics Services, Murdoch Childrens Research Institute).